The following is an entry in ClinVar:

ClinVar aggregate classification (germline): Pathogenic (1 of 4 stars; one submission).

Conditions:
Lynch syndrome 4 (LYNCH4). Also called: Hereditary non-polyposis colorectal cancer, type 4; Colorectal cancer, hereditary nonpolyposis, type 4. Identifiers: Orphanet 144, MedGen C1838333, MONDO:0013699, OMIM 614337. Disease mechanism: loss of function.

Submission:

Myriad Genetics, Inc.
Classification: Pathogenic for Lynch syndrome 4. Last evaluated: 2023-09-18. Review status: criteria provided, single submitter. Criteria: Myriad Autosomal Dominant, Autosomal Recessive and X-Linked Classification Criteria (2023). Collection method: clinical testing. Allele origin: unknown.
Comment: This variant is considered pathogenic. This variant creates a frameshift predicted to result in premature protein truncation.

NM_000535.7(PMS2):c.358_365dup (p.Ile122fs)

Gene: PMS2 (PMS1 homolog 2, mismatch repair system component; minus strand). Cytogenetic location: 7p22.1.
Variant type: Duplication.
Coding change: c.358_365dup on transcript NM_000535.7 (MANE Select); coding-DNA positions 358 to 365, 8 bases duplicated (GTCACCAT; older notation c.358_365dupGTCACCAT).
Protein change: p.Ile122fs; shifts the reading frame from isoleucine 122.
Molecular consequence: frameshift variant. On other transcripts: 5 prime UTR variant (29), non-coding transcript variant (1), intron variant (1).
Genome position (GRCh38, 1-based): chr7:6,002,625-6,002,632, ATGGTGAC duplicated on the plus strand (GTCACCAT on the coding strand, the reverse complement: PMS2 is on the minus strand); duplicating any 8 consecutive bases within chr7:6,002,625-6,002,634 gives the same sequence; the c. name uses the placement nearest the transcript's 3' end. VCF-style (leftmost placement, unchanged base first): chr7-6002624-A-AATGGTGAC. GRCh37 (hg19) VCF-style: chr7-6042255-A-AATGGTGAC.
Other names: c.-50_-43dup (NM_001018040.1); c.-48_-41dup (NM_001322003.2, NM_001322004.2, NM_001322005.2 and 24 more transcripts); c.358_365dup, p.Ile122fs (NM_001322006.2, NM_001322014.2, NM_001406869.1 and 8 more transcripts); c.40_47dup, p.Ile16fs (NM_001322007.2, NM_001322008.2, NM_001406876.1 and 4 more transcripts); c.-527_-520dup (NM_001322011.2, NM_001322012.2); c.49_56dup, p.Ile19fs (NM_001322015.2, NM_001406875.1, NM_001406877.1 and 6 more transcripts); c.544_551dup, p.Ile184fs (NM_001406866.1); c.382_389dup, p.Ile130fs (NM_001406868.1); and 1 more; short protein forms I122fs, I130fs, I16fs, I184fs, I19fs.
Identifiers: ClinVar variation 2674260 (VCV002674260.1), dbSNP rs2536455654, ClinGen allele CA2695198435.
Genomic context (GRCh38, chr7:6,002,624, plus strand): 5'-TTTCCCATTGTGATCAAACATCAGTCGAGTTCCAACCTTCGCCGATGCGTGGCAGGTAGA[A>AATGGTGAC]ATGGTGACATCGCTGTGAGAGAATACCAGGCATGGTGTGTTCAGTGAGAGACCCATGATG-3'